The following is an entry in ClinVar:

ClinVar aggregate classification (germline): Uncertain significance (1 of 4 stars; one submission).

Conditions:
Spastic paraplegia. Identifiers: MedGen C0037772, HP:0001258.

Allele frequency attached by ClinVar (database versions not stated): gnomAD exomes 0.00001.
gnomAD v4.1: 14 of 1,602,794 alleles (0.00087%); highest among the groups gnomAD compares: Non-Finnish European, 0.0012%; no homozygotes.

Submission:

Labcorp Genetics (formerly Invitae), Labcorp
Classification: Uncertain significance for Spastic paraplegia. Last evaluated: 2024-10-30. Review status: criteria provided, single submitter. Criteria: Invitae Variant Classification Sherloc (09022015). Collection method: clinical testing. Allele origin: germline.
Comment: This sequence change replaces glutamic acid, which is acidic and polar, with aspartic acid, which is acidic and polar, at codon 166 of the HSPD1 protein (p.Glu166Asp). This variant is present in population databases (no rsID available, gnomAD 0.0009%). This variant has not been reported in the literature in individuals affected with HSPD1-related conditions. ClinVar contains an entry for this variant (Variation ID: 2059528). Invitae Evidence Modeling of protein sequence and biophysical properties (such as structural, functional, and spatial information, amino acid conservation, physicochemical variation, residue mobility, and thermodynamic stability) indicates that this missense variant is not expected to disrupt HSPD1 protein function with a negative predictive value of 80%. In summary, the available evidence is currently insufficient to determine the role of this variant in disease. Therefore, it has been classified as a Variant of Uncertain Significance.

NM_002156.5(HSPD1):c.498A>T (p.Glu166Asp)

Gene: HSPD1 (heat shock protein family D (Hsp60) member 1; minus strand). Cytogenetic location: 2q33.1.
Variant type: single nucleotide variant.
Coding change: c.498A>T on transcript NM_002156.5 (MANE Select); coding-DNA position 498, A replaced by T.
Protein change: p.Glu166Asp; replaces glutamic acid 166 with aspartic acid.
Molecular consequence: missense variant.
Genome position (GRCh38, 1-based): chr2:197,495,306, T>A on the plus strand (A>T on the coding strand, the complement: HSPD1 is on the minus strand). VCF-style: chr2-197495306-T-A. GRCh37 (hg19) VCF-style: chr2-198360030-T-A.
Other names: c.498A>T, p.Glu166Asp (NM_199440.2); short protein forms E166D.
Identifiers: ClinVar variation 2059528 (VCV002059528.4), dbSNP rs1419179184, ClinGen allele CA350202791.